The following is an entry in ClinVar:

ClinVar aggregate classification (germline): Conflicting classifications of pathogenicity. Review status: criteria provided, conflicting classifications (1 of 4 stars). 6 submissions from 6 submitters: Uncertain significance (1); Likely benign (5). Last evaluated 2025-12-01.

Conditions:
Cardiovascular phenotype. Identifiers: MedGen CN230736.
ABCG5-related disorder. Also called: ABCG5-related condition.
Sitosterolemia (STSL). Also called: PHYTOSTEROLEMIA. Identifiers: Orphanet 2882, MedGen C0342907, MONDO:0008863.

Allele frequency attached by ClinVar (database versions not stated): TOPMed 0.00004; gnomAD 0.00001; gnomAD exomes 0.00005 and 0.00010; ExAC 0.00013.
gnomAD v4.1: 32 of 1,613,632 alleles (0.002%); highest among the groups gnomAD compares: Admixed American, 0.052%; no homozygotes.

Submissions (6):

Labcorp Genetics (formerly Invitae), Labcorp
Classification: Likely benign for Sitosterolemia. Last evaluated: 2025-12-01. Review status: criteria provided, single submitter. Criteria: Invitae Variant Classification Sherloc (09022015). Collection method: clinical testing. Allele origin: germline.

Mayo Clinic Laboratories, Mayo Clinic
Classification: Likely benign. Last evaluated: 2025-04-22. Review status: criteria provided, single submitter. Criteria: ACMG Guidelines, 2015. Collection method: clinical testing. Allele origin: germline. Observed: 1 variant allele.
Comment: BP4, BP7

PreventionGenetics, part of Exact Sciences
Classification: Likely benign for ABCG5-related condition. Last evaluated: 2025-01-18. Review status: criteria provided, single submitter. Criteria: ACMG Guidelines, 2015. Collection method: clinical testing. Allele origin: germline.
Comment: This variant is classified as likely benign based on ACMG/AMP sequence variant interpretation guidelines (Richards et al. 2015 PMID: 25741868, with internal and published modifications).

Blueprint Genetics
Classification: Likely benign. Last evaluated: 2021-06-22. Review status: criteria provided, single submitter. Criteria: ACMG Guidelines, 2015. Collection method: clinical testing. Allele origin: germline.

Ambry Genetics
Classification: Likely benign for Cardiovascular phenotype. Last evaluated: 2019-08-21. Review status: criteria provided, single submitter. Criteria: Ambry Variant Classification Scheme 2023. Collection method: clinical testing. Allele origin: germline.

Eurofins Ntd Llc (ga)
Classification: Uncertain significance. Last evaluated: 2016-12-27. Review status: criteria provided, single submitter. Criteria: EGL Classification Definitions 2015. Collection method: clinical testing. Allele origin: germline. Observed: 1 variant allele, 1 heterozygote.

NM_022436.3(ABCG5):c.780T>C (p.Phe260=)

Genes: ABCG5 (ATP binding cassette subfamily G member 5; minus strand), DYNC2LI1 (dynein cytoplasmic 2 light intermediate chain 1; plus strand). Cytogenetic location: 2p21.
Variant type: single nucleotide variant.
Coding change: c.780T>C on transcript NM_022436.3 (MANE Select); coding-DNA position 780, T replaced by C.
Protein change: p.Phe260=; no amino-acid change (phenylalanine 260 retained).
Molecular consequence: synonymous variant. On other transcripts: intron variant (2).
Genome position (GRCh38, 1-based): chr2:43,825,013, A>G on the plus strand (T>C on the coding strand, the complement: ABCG5 is on the minus strand). VCF-style: chr2-43825013-A-G. GRCh37 (hg19) VCF-style: chr2-44052152-A-G.
Other names: p.Phe260=; c.*16-2373A>G (NM_001348913.2, NM_001348912.2).
Identifiers: ClinVar variation 499385 (VCV000499385.18), dbSNP rs765847597, ClinGen allele CA1636507.